The following is an entry in ClinVar:

ClinVar aggregate classification (germline): Likely benign (0 of 4 stars; one submission).

Conditions:
DOCK6-related disorder. Also called: DOCK6-related condition.

Allele frequency attached by ClinVar (database versions not stated): gnomAD 0.00001; TOPMed 0.00001; ExAC 0.00002.
gnomAD v4.1: 25 of 1,613,566 alleles (0.0015%); highest among the groups gnomAD compares: South Asian, 0.0099%; no homozygotes.

Submission:

PreventionGenetics, part of Exact Sciences
Classification: Likely benign for DOCK6-related condition. Last evaluated: 2019-06-13. Review status: no assertion criteria provided. Collection method: clinical testing. Allele origin: germline.
Comment: This variant is classified as likely benign based on ACMG/AMP sequence variant interpretation guidelines (Richards et al. 2015 PMID: 25741868, with internal and published modifications).

NM_020812.4(DOCK6):c.2691C>T (p.Asp897=)

Gene: DOCK6 (dedicator of cytokinesis 6; minus strand). Cytogenetic location: 19p13.2.
Variant type: single nucleotide variant.
Coding change: c.2691C>T on transcript NM_020812.4 (MANE Select); coding-DNA position 2691, C replaced by T.
Protein change: p.Asp897=; no amino-acid change (aspartic acid 897 retained).
Molecular consequence: synonymous variant.
Genome position (GRCh38, 1-based): chr19:11,233,230, G>A on the plus strand (C>T on the coding strand, the complement: DOCK6 is on the minus strand). VCF-style: chr19-11233230-G-A. GRCh37 (hg19) VCF-style: chr19-11343906-G-A.
Other names: c.2691C>T, p.Asp897= (NM_001367830.1).
Identifiers: ClinVar variation 3034480 (VCV003034480.2), dbSNP rs768456287, ClinGen allele CA9207541.
Genomic context (GRCh38, chr19:11,233,230, plus strand): 5'-AGGCTGGAGATTCCAGGGCCCCCGTTGCCCTACCTTGCTGGCCAGGATGCGGGAAACCTC[G>A]TCATCCACAGAGCCAGGGGCCACGGCGAGGTCAGGGTTGCTGCTGCTGATGCTCTTGGAA-3'
Protein context (NP_065863.2, residues 887-907): DLAVAPGSVD[Asp897=]EVSRILASKL